The following is an entry in ClinVar:

ClinVar aggregate classification (germline): Uncertain significance. Review status: criteria provided, single submitter (1 of 4 stars). 2 submissions from 2 submitters: Uncertain significance (1). 1 of the submissions does not count toward it. Last evaluated 2019-05-20.

Conditions:
3-methylcrotonyl-CoA carboxylase 2 deficiency. Also called: METHYLCROTONYLGLYCINURIA, TYPE II; 3 alpha methylcrotonyl-CoA carboxylase 2 deficiency; 3 alpha methylcrotonylglycinuria 2; MCC 2 deficiency; Methylcrotonylglycinuria type 2. Identifiers: Orphanet 6, MedGen C1859499, MONDO:0008862, OMIM 210210.

gnomAD v4.1: 1 of 1,612,766 alleles (0.000062%); highest among the groups gnomAD compares: Non-Finnish European, 0.000085%; no homozygotes.

Submissions (2):

Labcorp Genetics (formerly Invitae), Labcorp
Classification: Uncertain significance for 3-methylcrotonyl-CoA carboxylase 2 deficiency. Last evaluated: 2019-05-20. Review status: criteria provided, single submitter. Criteria: Invitae Variant Classification Sherloc (09022015). Collection method: clinical testing. Allele origin: germline.
Comment: This sequence change replaces histidine with arginine at codon 62 of the MCCC2 protein (p.His62Arg). The histidine residue is weakly conserved and there is a small physicochemical difference between histidine and arginine. This variant is not present in population databases (ExAC no frequency). This variant has not been reported in the literature in individuals with MCCC2-related conditions. Algorithms developed to predict the effect of missense changes on protein structure and function output the following: SIFT: "Tolerated"; PolyPhen-2: "Benign"; Align-GVGD: "Class C0". The arginine amino acid residue is found in multiple mammalian species, suggesting that this missense change does not adversely affect protein function. These predictions have not been confirmed by published functional studies and their clinical significance is uncertain. In summary, the available evidence is currently insufficient to determine the role of this variant in disease. Therefore, it has been classified as a Variant of Uncertain Significance.

Natera, Inc.
Classification: Uncertain significance for 3-methylcrotonyl-CoA carboxylase 2 deficiency. Last evaluated: 2025-05-02. Review status: no assertion criteria provided. Collection method: clinical testing. Allele origin: germline. Not counted in ClinVar's aggregate classification.

NM_022132.5(MCCC2):c.185A>G (p.His62Arg)

Gene: MCCC2 (methylcrotonyl-CoA carboxylase subunit 2; plus strand). Cytogenetic location: 5q13.2.
Variant type: single nucleotide variant.
Coding change: c.185A>G on transcript NM_022132.5 (MANE Select); coding-DNA position 185, A replaced by G.
Protein change: p.His62Arg; replaces histidine 62 with arginine.
Molecular consequence: missense variant.
Genome position (GRCh38, 1-based): chr5:71,592,981, A>G. VCF-style: chr5-71592981-A-G. GRCh37 (hg19) VCF-style: chr5-70888808-A-G.
Other names: c.185A>G, p.His62Arg (NM_001363147.1); short protein forms H62R.
Identifiers: ClinVar variation 939584 (VCV000939584.10), dbSNP rs1745040815, ClinGen allele CA360005094.